The following is an entry in ClinVar:

NM_001001524.3(TM6SF2):c.145G>T (p.Val49Leu)

Gene: TM6SF2 (transmembrane 6 superfamily member 2; minus strand). Cytogenetic location: 19p13.11.
Variant type: single nucleotide variant.
Coding change: c.145G>T on transcript NM_001001524.3 (MANE Select); coding-DNA position 145, G replaced by T.
Protein change: p.Val49Leu; replaces valine 49 with leucine.
Molecular consequence: missense variant.
Genome position (GRCh38, 1-based): chr19:19,271,076, C>A on the plus strand (G>T on the coding strand, the complement: TM6SF2 is on the minus strand). VCF-style: chr19-19271076-C-A. GRCh37 (hg19) VCF-style: chr19-19381885-C-A.
Other names: NC_000019.9:g.19381885C>A; c.145G>T (NM_001001524.2); short protein forms V49L.
Identifiers: ClinVar variation 4436706 (VCV004436706.2).

ClinVar aggregate classification (germline): Likely benign (1 of 4 stars; one submission).

Conditions:
TM6SF2-related condition.

gnomAD v4.1: 2,358 of 1,614,190 alleles (0.15%); highest among the groups gnomAD compares: Middle Eastern, 0.28%; 5 homozygotes.

Submissions (6):

PreventionGenetics, part of Exact Sciences
Classification: Likely benign for TM6SF2-related condition. Last evaluated: 2026-03-06. Review status: criteria provided, single submitter. Criteria: ACMG Guidelines, 2015. Collection method: clinical testing. Allele origin: germline.
Comment: This variant is classified as likely benign based on ACMG/AMP sequence variant interpretation guidelines (Richards et al. 2015 PMID: 25741868, with internal and published modifications).

Dr. Peter K. Rogan Lab, Western University
No classification provided (evidence only). Condition: Clear cell carcinoma of kidney. Review status: no classification provided. Collection method: in vitro. Allele origin: not applicable. Functional consequence: retained intron. Not counted in ClinVar's aggregate classification.

Dr. Peter K. Rogan Lab, Western University
No classification provided (evidence only). Condition: Melanoma. Review status: no classification provided. Collection method: in vitro. Allele origin: not applicable. Functional consequence: retained intron. Not counted in ClinVar's aggregate classification.

Dr. Peter K. Rogan Lab, Western University
No classification provided (evidence only). Condition: Colon adenocarcinoma. Review status: no classification provided. Collection method: in vitro. Allele origin: not applicable. Functional consequence: retained intron. Not counted in ClinVar's aggregate classification.

Dr. Peter K. Rogan Lab, Western University
No classification provided (evidence only). Condition: Hepatocellular carcinoma. Review status: no classification provided. Collection method: in vitro. Allele origin: not applicable. Functional consequence: retained intron. Not counted in ClinVar's aggregate classification.

Dr. Peter K. Rogan Lab, Western University
No classification provided (evidence only). Condition: Malignant tumor of esophagus. Review status: no classification provided. Collection method: in vitro. Allele origin: not applicable. Functional consequence: skipped exon, retained intron. Not counted in ClinVar's aggregate classification.